The following is an entry in ClinVar:

NM_001287.6(CLCN7):c.1283C>G (p.Ala428Gly)

Gene: CLCN7 (chloride voltage-gated channel 7; minus strand). Cytogenetic location: 16p13.3.
Variant type: single nucleotide variant.
Coding change: c.1283C>G on transcript NM_001287.6 (MANE Select); coding-DNA position 1283, C replaced by G.
Protein change: p.Ala428Gly; replaces alanine 428 with glycine.
Molecular consequence: missense variant.
Genome position (GRCh38, 1-based): chr16:1,452,825, G>C on the plus strand (C>G on the coding strand, the complement: CLCN7 is on the minus strand). VCF-style: chr16-1452825-G-C. GRCh37 (hg19) VCF-style: chr16-1502826-G-C.
Other names: c.1211C>G, p.Ala404Gly (NM_001114331.3); short protein forms A404G, A428G.
Identifiers: ClinVar variation 4711673 (VCV004711673.1).

ClinVar aggregate classification (germline): Uncertain significance (1 of 4 stars; one submission).

gnomAD v4.1: 2 of 1,601,462 alleles (0.00012%); highest among the groups gnomAD compares: Non-Finnish European, 0.00017%; no homozygotes.

Submission:

Labcorp Genetics (formerly Invitae), Labcorp
Classification: Uncertain significance. Last evaluated: 2025-10-29. Review status: criteria provided, single submitter. Criteria: Invitae Variant Classification Sherloc (09022015). Collection method: clinical testing. Allele origin: germline.
Comment: This sequence change replaces alanine, which is neutral and non-polar, with glycine, which is neutral and non-polar, at codon 428 of the CLCN7 protein (p.Ala428Gly). This variant is present in population databases (no rsID available, gnomAD 0.001%). This variant has not been reported in the literature in individuals affected with CLCN7-related conditions. An algorithm developed to predict the effect of missense changes on protein structure and function (PolyPhen-2) suggests that this variant is likely to be tolerated. In summary, the available evidence is currently insufficient to determine the role of this variant in disease. Therefore, it has been classified as a Variant of Uncertain Significance.